The following is an entry in ClinVar:

NM_004371.4(COPA):c.2945A>C (p.Tyr982Ser)

Gene: COPA (COPI coat complex subunit alpha; minus strand). Cytogenetic location: 1q23.2.
Variant type: single nucleotide variant.
Coding change: c.2945A>C on transcript NM_004371.4 (MANE Select); coding-DNA position 2945, A replaced by C.
Protein change: p.Tyr982Ser; replaces tyrosine 982 with serine.
Molecular consequence: missense variant.
Genome position (GRCh38, 1-based): chr1:160,292,499, T>G on the plus strand (A>C on the coding strand, the complement: COPA is on the minus strand). VCF-style: chr1-160292499-T-G. GRCh37 (hg19) VCF-style: chr1-160262289-T-G.
Other names: c.2972A>C, p.Tyr991Ser (NM_001098398.2); short protein forms Y982S, Y991S.
Identifiers: ClinVar variation 3895906 (VCV003895906.1).

ClinVar aggregate classification (germline): Uncertain significance (1 of 4 stars; one submission).

Submission:

Women's Health and Genetics/Laboratory Corporation of America, LabCorp
Classification: Uncertain significance. Last evaluated: 2025-03-27. Review status: criteria provided, single submitter. Criteria: LabCorp Variant Classification Summary - May 2015. Collection method: clinical testing. Allele origin: germline.
Comment: Variant summary: COPA c.2945A>C (p.Tyr982Ser) results in a non-conservative amino acid change in the encoded protein sequence. Three of five in-silico tools predict a benign effect of the variant on protein function. The variant was absent in 250900 control chromosomes. The available data on variant occurrences in the general population are insufficient to allow any conclusion about variant significance. To our knowledge, no occurrence of c.2945A>C in individuals affected with Autoimmune interstitial lung disease-arthritis syndrome and no experimental evidence demonstrating its impact on protein function have been reported. No submitters have cited clinical-significance assessments for this variant to ClinVar. Based on the evidence outlined above, the variant was classified as uncertain significance.